The following is an entry in ClinVar:

NC_000023.10:g.(?_32834575)_(33038327_?)dup

Gene: DMD (dystrophin; minus strand). Cytogenetic location: Xp21.1.
Variant type: Duplication.
Identifiers: ClinVar variation 1458321 (VCV001458321.7).

ClinVar aggregate classification (germline): Pathogenic (1 of 4 stars; one submission).

Conditions:
Duchenne muscular dystrophy (DMD). Also called: Duchenne Muscular Dystrophy (DMD); MUSCULAR DYSTROPHY, PSEUDOHYPERTROPHIC PROGRESSIVE, DUCHENNE TYPE. Identifiers: Orphanet 98896, MedGen C0013264, MONDO:0010679, OMIM 310200.

Submission:

Labcorp Genetics (formerly Invitae), Labcorp
Classification: Pathogenic for Duchenne muscular dystrophy. Last evaluated: 2021-01-20. Review status: criteria provided, single submitter. Criteria: Invitae Variant Classification Sherloc (09022015). Collection method: clinical testing. Allele origin: germline.
Comment: For these reasons, this variant has been classified as Pathogenic. A similar copy number variant has been observed in individual(s) with clinical features of DMD-related conditions (PMID: 10465346, Invitae). This variant results in a copy number gain of the genomic region encompassing exon(s) 2-6 of the DMD gene. While the exact position of this variant cannot be determined from the data, sub-genic copy number gains are generally in tandem (PMID: 25640679). This variant is predicted to be out-of-frame, and may result in an absent or disrupted protein product. Loss-of-function variants in DMD are known to be pathogenic (PMID: 16770791, 25007885).

Literature cited by the submitters: PubMed 10465346; PubMed 25640679; PubMed 16770791; PubMed 25007885.